The following is an entry in ClinVar:

ClinVar aggregate classification (germline): Uncertain significance. Review status: criteria provided, multiple submitters, no conflicts (2 of 4 stars). 2 submissions from 2 submitters: Uncertain significance (2). Last evaluated 2026-05-14.

Conditions:
Inborn genetic diseases. Identifiers: MedGen C0950123, MeSH D030342.

Allele frequency attached by ClinVar (database versions not stated): gnomAD 0.00001.

Submissions (2):

Ambry Genetics
Classification: Uncertain significance for Inborn genetic diseases. Last evaluated: 2026-05-14. Review status: criteria provided, single submitter. Criteria: Ambry Variant Classification Scheme 2023. Collection method: clinical testing. Allele origin: germline.

Labcorp Genetics (formerly Invitae), Labcorp
Classification: Uncertain significance. Last evaluated: 2023-07-28. Review status: criteria provided, single submitter. Criteria: Invitae Variant Classification Sherloc (09022015). Collection method: clinical testing. Allele origin: germline.
Comment: In summary, the available evidence is currently insufficient to determine the role of this variant in disease. Therefore, it has been classified as a Variant of Uncertain Significance. An algorithm developed to predict the effect of missense changes on protein structure and function (PolyPhen-2) suggests that this variant is likely to be tolerated. This variant has not been reported in the literature in individuals affected with GPR143-related conditions. This variant is not present in population databases (gnomAD no frequency). This sequence change replaces alanine, which is neutral and non-polar, with serine, which is neutral and polar, at codon 397 of the GPR143 protein (p.Ala397Ser).

NM_000273.3(GPR143):c.1189G>T (p.Ala397Ser)

Gene: GPR143 (G protein-coupled receptor 143; minus strand). Cytogenetic location: Xp22.2.
Variant type: single nucleotide variant.
Coding change: c.1189G>T on transcript NM_000273.3 (MANE Select); coding-DNA position 1189, G replaced by T.
Protein change: p.Ala397Ser; replaces alanine 397 with serine.
Molecular consequence: missense variant.
Genome position (GRCh38, 1-based): chrX:9,725,772, C>A on the plus strand (G>T on the coding strand, the complement: GPR143 is on the minus strand). VCF-style: chrX-9725772-C-A. GRCh37 (hg19) VCF-style: chrX-9693812-C-A.
Other names: c.1189G>T (NM_000273.2); short protein forms A397S.
Identifiers: ClinVar variation 2798198 (VCV002798198.4), dbSNP rs1373645423, ClinGen allele CA411992180.